The following is an entry in ClinVar:

ClinVar aggregate classification (germline): Likely pathogenic (1 of 4 stars; one submission).

Conditions:
GNPTAB-mucolipidosis. Also called: UDP-N-acetylglucosamine-1-phosphotransferase subunit alpha/beta deficiency. Identifiers: MedGen CN322573, MONDO:0100122.

Submission:

Myriad Genetics, Inc.
Classification: Likely pathogenic for GNPTAB-mucolipidosis. Last evaluated: 2022-05-29. Review status: criteria provided, single submitter. Criteria: Myriad Autosomal Dominant, Autosomal Recessive and X-Linked Classification Criteria (2023). Collection method: clinical testing. Allele origin: unknown.
Comment: NM_024312.4(GNPTAB):c.1888delA(T630Qfs*12) is expected to be pathogenic in the context of GNPTAB-related disorders. This variant is predicted to lead to an abnormal or absent protein product due to the creation of a premature termination codon in GNPTAB, a gene where loss-of-function variants are known to be pathogenic. Please note: this variant was assessed in the context of healthy population screening.

NM_024312.5(GNPTAB):c.1888del (p.Thr630fs)

Gene: GNPTAB (N-acetylglucosamine-1-phosphate transferase subunits alpha and beta; minus strand). Cytogenetic location: 12q23.2.
Variant type: Deletion.
Coding change: c.1888del on transcript NM_024312.5 (MANE Select); coding-DNA position 1888, one base deleted (A; older notation c.1888delA).
Protein change: p.Thr630fs; shifts the reading frame from threonine 630.
Molecular consequence: frameshift variant.
Genome position (GRCh38, 1-based): chr12:101,765,029, T deleted on the plus strand (A on the coding strand, the reverse complement: GNPTAB is on the minus strand); the first of 2 consecutive T bases (chr12:101,765,029-101,765,030); deleting either gives the same sequence. VCF-style (leftmost placement, unchanged base first): chr12-101765028-GT-G. GRCh37 (hg19) VCF-style: chr12-102158806-GT-G.
Other names: short protein forms T630fs.
Identifiers: ClinVar variation 1726233 (VCV001726233.3), dbSNP rs2547957743, ClinGen allele CA2580085689.